The following is an entry in ClinVar:

NM_000431.4(MVK):c.1045G>C (p.Glu349Gln)

Gene: MVK (mevalonate kinase; plus strand). Cytogenetic location: 12q24.11.
Variant type: single nucleotide variant.
Coding change: c.1045G>C on transcript NM_000431.4 (MANE Select); coding-DNA position 1045, G replaced by C.
Protein change: p.Glu349Gln; replaces glutamic acid 349 with glutamine.
Molecular consequence: missense variant.
Genome position (GRCh38, 1-based): chr12:109,596,431, G>C. VCF-style: chr12-109596431-G-C. GRCh37 (hg19) VCF-style: chr12-110034236-G-C.
Other names: c.1045G>C, p.Glu349Gln (NM_001114185.3, NM_001414511.1); c.889G>C, p.Glu297Gln (NM_001301182.2); c.1120G>C, p.Glu374Gln (NM_001414512.1); c.1056G>C, p.Trp352Cys (NM_001414513.1); c.900G>C, p.Trp300Cys (NM_001414514.1); c.463G>C, p.Glu155Gln (NM_001414515.1); short protein forms E155Q, E297Q, E374Q, E349Q, W300C, W352C.
Identifiers: ClinVar variation 1966552 (VCV001966552.5), dbSNP rs1164595929, ClinGen allele CA386651191.

ClinVar aggregate classification (germline): Uncertain significance (1 of 4 stars; one submission).

Conditions:
Mevalonic aciduria (MEVA). Identifiers: Orphanet 29, MedGen C1959626, MONDO:0012481, OMIM 610377.
Hyperimmunoglobulin D with periodic fever (HIDS). Also called: Hyperimmunoglobulinemia D; HYPERIMMUNOGLOBULINEMIA D AND PERIODIC FEVER SYNDROME; Hyperimmunoglobulinemia D with periodic fever. Identifiers: Orphanet 343, MedGen C0398691, MONDO:0009849, OMIM 260920.
Porokeratosis 3, disseminated superficial actinic type (POROK3). Also called: POROKERATOSIS, DISSEMINATED SUPERFICIAL ACTINIC, 1; POROKERATOSIS 3, MULTIPLE TYPES; POROKERATOSIS 3, MIBELLI TYPE. Identifiers: MedGen C1867981, MONDO:0008293, OMIM 175900.

Allele frequency attached by ClinVar (database versions not stated): gnomAD exomes 0.00001.

Submission:

Labcorp Genetics (formerly Invitae), Labcorp
Classification: Uncertain significance for Mevalonic aciduria; Hyperimmunoglobulin D with periodic fever; Porokeratosis 3, disseminated superficial actinic type. Last evaluated: 2022-10-04. Review status: criteria provided, single submitter. Criteria: Invitae Variant Classification Sherloc (09022015). Collection method: clinical testing. Allele origin: germline.
Comment: In summary, the available evidence is currently insufficient to determine the role of this variant in disease. Therefore, it has been classified as a Variant of Uncertain Significance. Advanced modeling of protein sequence and biophysical properties (such as structural, functional, and spatial information, amino acid conservation, physicochemical variation, residue mobility, and thermodynamic stability) performed at Invitae indicates that this missense variant is not expected to disrupt MVK protein function. This variant has not been reported in the literature in individuals affected with MVK-related conditions. This variant is present in population databases (no rsID available, gnomAD 0.006%). This sequence change replaces glutamic acid, which is acidic and polar, with glutamine, which is neutral and polar, at codon 349 of the MVK protein (p.Glu349Gln).